The following is an entry in ClinVar:

ClinVar aggregate classification (germline): Likely benign. Review status: criteria provided, multiple submitters, no conflicts (2 of 4 stars). 3 submissions from 3 submitters: Likely benign (2). 1 of the submissions does not count toward it. Last evaluated 2026-08-01.

Conditions:
AFF4-related disorder. Also called: AFF4-related condition.
Cognitive impairment - coarse facies - heart defects - obesity - pulmonary involvement - short stature - skeletal dysplasia syndrome. Also called: COGNITIVE IMPAIRMENT, COARSE FACIES, HEART DEFECTS, OBESITY, PULMONARY INVOLVEMENT, SHORT STATURE, AND SKELETAL DYSPLASIA; Chops syndrome; AFF4-Related CHOPS Syndrome. Identifiers: Orphanet 444077, MedGen C4085597, MONDO:0014609, OMIM 616368.

Allele frequency attached by ClinVar (database versions not stated): 1000 Genomes Project 30x 0.00016; gnomAD 0.00017 and 0.00020; gnomAD exomes 0.00018 and 0.00020; 1000 Genomes Project 0.00020; TOPMed 0.00024; ExAC 0.00025.
gnomAD v4.1: 292 of 1,613,928 alleles (0.018%); highest among the groups gnomAD compares: Non-Finnish European, 0.019%; 1 homozygote.

Submissions (3):

CeGaT Center for Human Genetics Tuebingen
Classification: Likely benign. Last evaluated: 2026-08-01. Review status: criteria provided, single submitter. Criteria: CeGaT Center For Human Genetics Tuebingen Variant Classification Criteria Version 2. Collection method: clinical testing. Allele origin: germline. Affected: yes. Observed: 3 variant alleles.
Comment: AFF4: BP4

Labcorp Genetics (formerly Invitae), Labcorp
Classification: Likely benign for Cognitive impairment - coarse facies - heart defects - obesity - pulmonary involvement - short stature - skeletal dysplasia syndrome. Last evaluated: 2026-01-12. Review status: criteria provided, single submitter. Criteria: Invitae Variant Classification Sherloc (09022015). Collection method: clinical testing. Allele origin: germline.

PreventionGenetics, part of Exact Sciences
Classification: Likely benign for AFF4-related condition. Last evaluated: 2022-07-20. Review status: no assertion criteria provided. Collection method: clinical testing. Allele origin: germline. Not counted in ClinVar's aggregate classification.
Comment: This variant is classified as likely benign based on ACMG/AMP sequence variant interpretation guidelines (Richards et al. 2015 PMID: 25741868, with internal and published modifications).

NM_014423.4(AFF4):c.2669C>T (p.Pro890Leu)

Gene: AFF4 (ALF transcription elongation factor 4; minus strand). Cytogenetic location: 5q31.1.
Variant type: single nucleotide variant.
Coding change: c.2669C>T on transcript NM_014423.4 (MANE Select); coding-DNA position 2669, C replaced by T.
Protein change: p.Pro890Leu; replaces proline 890 with leucine.
Molecular consequence: missense variant.
Genome position (GRCh38, 1-based): chr5:132,889,142, G>A on the plus strand (C>T on the coding strand, the complement: AFF4 is on the minus strand). VCF-style: chr5-132889142-G-A. GRCh37 (hg19) VCF-style: chr5-132224834-G-A.
Other names: short protein forms P890L.
Identifiers: ClinVar variation 772457 (VCV000772457.29), dbSNP rs200457433, ClinGen allele CA3408855.
Genomic context (GRCh38, chr5:132,889,142, plus strand): 5'-TCATCAAAGACAAGCTTTGTTCTCCGAGGCTTAGAAGAATCAAGAGTTGGTGCAGATGGA[G>A]GACAGTTAGAGGAGCTACTTGGAGCCTTTTCCTGACCAAAAAAATATATAACTACAATGA-3'
Protein context (NP_055238.1, residues 880-900): EKAPSSSSNC[Pro890Leu]PSAPTLDSSK